The following is an entry in ClinVar:

NM_000018.4(ACADVL):c.250A>G (p.Thr84Ala)

Gene: ACADVL (acyl-CoA dehydrogenase very long chain; plus strand). Cytogenetic location: 17p13.1.
Variant type: single nucleotide variant.
Coding change: c.250A>G on transcript NM_000018.4 (MANE Select); coding-DNA position 250, A replaced by G.
Protein change: p.Thr84Ala; replaces threonine 84 with alanine.
Molecular consequence: missense variant.
Genome position (GRCh38, 1-based): chr17:7,220,649, A>G. VCF-style: chr17-7220649-A-G. GRCh37 (hg19) VCF-style: chr17-7123968-A-G.
Other names: c.184A>G, p.Thr62Ala (NM_001033859.3); c.319A>G, p.Thr107Ala (NM_001270447.2); c.22A>G, p.Thr8Ala (NM_001270448.2); short protein forms T62A, T8A, T107A, T84A.
Identifiers: ClinVar variation 2041136 (VCV002041136.1), dbSNP rs755575335, ClinGen allele CA8337608.

ClinVar aggregate classification (germline): Uncertain significance (1 of 4 stars; one submission).

Conditions:
Very long chain acyl-CoA dehydrogenase deficiency (ACADVLD). Also called: VLCAD Deficiency; Very Long-Chain Acyl-Coenzyme A Dehydrogenase Deficiency. Identifiers: Orphanet 26793, MedGen C3887523, MONDO:0008723, OMIM 201475.

Allele frequency attached by ClinVar (database versions not stated): gnomAD 0.00001; gnomAD exomes 0.00001; TOPMed 0.00001; ExAC 0.00002.

Submission:

Labcorp Genetics (formerly Invitae), Labcorp
Classification: Uncertain significance for Very long chain acyl-CoA dehydrogenase deficiency. Last evaluated: 2022-08-07. Review status: criteria provided, single submitter. Criteria: Invitae Variant Classification Sherloc (09022015). Collection method: clinical testing. Allele origin: germline.
Comment: This sequence change replaces threonine, which is neutral and polar, with alanine, which is neutral and non-polar, at codon 84 of the ACADVL protein (p.Thr84Ala). This variant is present in population databases (rs755575335, gnomAD 0.004%). This variant has not been reported in the literature in individuals affected with ACADVL-related conditions. Algorithms developed to predict the effect of missense changes on protein structure and function (SIFT, PolyPhen-2, Align-GVGD) all suggest that this variant is likely to be tolerated. In summary, the available evidence is currently insufficient to determine the role of this variant in disease. Therefore, it has been classified as a Variant of Uncertain Significance.